The following is an entry in ClinVar:

ClinVar aggregate classification (germline): Uncertain significance (1 of 4 stars; one submission).

Conditions:
Cardiovascular phenotype. Identifiers: MedGen CN230736.

Submission:

Ambry Genetics
Classification: Uncertain significance for Cardiovascular phenotype. Last evaluated: 2025-01-28. Review status: criteria provided, single submitter. Criteria: Ambry Variant Classification Scheme 2023. Collection method: clinical testing. Allele origin: germline.
Comment: The p.E328K variant (also known as c.982G>A), located in coding exon 8 of the AKAP9 gene, results from a G to A substitution at nucleotide position 982. The glutamic acid at codon 328 is replaced by lysine, an amino acid with similar properties. This amino acid position is conserved. In addition, this alteration is predicted to be tolerated by in silico analysis. Based on the available evidence, the clinical significance of this variant remains unclear.

NM_005751.5(AKAP9):c.982G>A (p.Glu328Lys)

Gene: AKAP9 (A-kinase anchoring protein 9; plus strand). Cytogenetic location: 7q21.2.
Variant type: single nucleotide variant.
Coding change: c.982G>A on transcript NM_005751.5 (MANE Select); coding-DNA position 982, G replaced by A.
Protein change: p.Glu328Lys; replaces glutamic acid 328 with lysine.
Molecular consequence: missense variant.
Genome position (GRCh38, 1-based): chr7:92,000,899, G>A. VCF-style: chr7-92000899-G-A. GRCh37 (hg19) VCF-style: chr7-91630213-G-A.
Other names: c.982G>A, p.Glu328Lys (NM_147185.3); short protein forms E328K.
Identifiers: ClinVar variation 3849506 (VCV003849506.1).
Genomic context (GRCh38, chr7:92,000,899, plus strand): 5'-TTCCTAAAGGAACAAGATAAAAAAGTAGAAAACTCAAATAAAGAAGAAATACAGGAAAAG[G>A]AGACAATCATTGAAGAATTAAACACAAAAATAATAGAAGAAGAAAAGAAAACTCTTGAGC-3'
Protein context (NP_005742.4, residues 318-338): NSNKEEIQEK[Glu328Lys]TIIEELNTKI